The following is an entry in ClinVar:

NM_007194.4(CHEK2):c.319+3980C>T

Gene: CHEK2 (checkpoint kinase 2; minus strand). Cytogenetic location: 22q12.1.
Variant type: single nucleotide variant.
Coding change: c.319+3980C>T on transcript NM_007194.4 (MANE Select); 3980 bases into the intron after coding-DNA position 319, C replaced by T.
Molecular consequence: intron variant. On other transcripts: synonymous variant (2).
Genome position (GRCh38, 1-based): chr22:28,730,423, G>A on the plus strand (C>T on the coding strand, the complement: CHEK2 is on the minus strand). VCF-style: chr22-28730423-G-A. GRCh37 (hg19) VCF-style: chr22-29126411-G-A.
Other names: c.445C>T, p.Leu149= (NM_001005735.3, NM_001438294.1); c.-344-5056C>T (NM_001437942.1); c.319+3980C>T (NM_001349956.3, NM_145862.3); c.-459+3980C>T (NM_001257387.3); c.412+33C>T (NM_001438295.1, NM_001438293.1).
Identifiers: ClinVar variation 803657 (VCV000803657.8), dbSNP rs1045958480, ClinGen allele CA322996952.

ClinVar aggregate classification (germline): Likely benign. Review status: criteria provided, multiple submitters, no conflicts (2 of 4 stars). 3 submissions from 3 submitters: Likely benign (3). Last evaluated 2026-02-01.

Conditions:
Familial cancer of breast. Also called: Hereditary breast cancer; hereditary breast carcinoma; BREAST CANCER, FAMILIAL. Identifiers: Orphanet 227535, MedGen C0346153, MONDO:0016419, OMIM 114480. Disease mechanism: loss of function.

Allele frequency attached by ClinVar (database versions not stated): gnomAD exomes below 0.00001; TOPMed 0.00001.

Submissions (3):

CeGaT Center for Human Genetics Tuebingen
Classification: Likely benign. Last evaluated: 2026-02-01. Review status: criteria provided, single submitter. Criteria: CeGaT Center For Human Genetics Tuebingen Variant Classification Criteria Version 2. Collection method: clinical testing. Allele origin: germline. Affected: yes. Observed: 2 variant alleles.
Comment: CHEK2: BP4, BP7

Blueprint Genetics
Classification: Likely benign. Last evaluated: 2020-12-22. Review status: criteria provided, single submitter. Criteria: ACMG Guidelines, 2015. Collection method: clinical testing. Allele origin: germline.

Mendelics
Classification: Likely benign for Familial cancer of breast. Last evaluated: 2019-05-28. Review status: criteria provided, single submitter. Criteria: Mendelics Assertion Criteria 2017. Collection method: clinical testing. Allele origin: unknown.